The following is an entry in ClinVar:

NM_001273.5(CHD4):c.1992C>T (p.Tyr664=)

Gene: CHD4 (chromodomain helicase DNA binding protein 4; minus strand). Cytogenetic location: 12p13.31.
Variant type: single nucleotide variant.
Coding change: c.1992C>T on transcript NM_001273.5 (MANE Select); coding-DNA position 1992, C replaced by T.
Protein change: p.Tyr664=; no amino-acid change (tyrosine 664 retained).
Molecular consequence: synonymous variant.
Genome position (GRCh38, 1-based): chr12:6,596,038, G>A on the plus strand (C>T on the coding strand, the complement: CHD4 is on the minus strand). VCF-style: chr12-6596038-G-A. GRCh37 (hg19) VCF-style: chr12-6705204-G-A.
Other names: c.1971C>T, p.Tyr657= (NM_001297553.2); c.1953C>T, p.Tyr651= (NM_001363606.2).
Identifiers: ClinVar variation 775096 (VCV000775096.35), dbSNP rs116849726, ClinGen allele CA6412108.

ClinVar aggregate classification (germline): Benign/Likely benign. Review status: criteria provided, multiple submitters, no conflicts (2 of 4 stars). 4 submissions from 4 submitters: Benign (2); Likely benign (2). Last evaluated 2026-02-01.

Allele frequency attached by ClinVar (database versions not stated): 1000 Genomes Project 30x 0.00031; 1000 Genomes Project 0.00040; ExAC 0.00064; gnomAD exomes 0.00066 and 0.00143; TOPMed 0.00082; gnomAD 0.00089; ESP Exome Variant Server 0.00100.
gnomAD v4.1: 2,207 of 1,613,370 alleles (0.14%); highest among the groups gnomAD compares: Non-Finnish European, 0.18%; 5 homozygotes.

Submissions (4):

CeGaT Center for Human Genetics Tuebingen
Classification: Likely benign. Last evaluated: 2026-02-01. Review status: criteria provided, single submitter. Criteria: CeGaT Center For Human Genetics Tuebingen Variant Classification Criteria Version 2. Collection method: clinical testing. Allele origin: germline. Affected: yes. Observed: 7 variant alleles.
Comment: CHD4: BP4, BP7

Blueprint Genetics
Classification: Likely benign. Last evaluated: 2024-11-12. Review status: criteria provided, single submitter. Criteria: ACMG Guidelines, 2015. Collection method: clinical testing. Allele origin: germline.

Labcorp Genetics (formerly Invitae), Labcorp
Classification: Benign. Last evaluated: 2024-09-19. Review status: criteria provided, single submitter. Criteria: Invitae Variant Classification Sherloc (09022015). Collection method: clinical testing. Allele origin: germline.

Breakthrough Genomics
Classification: Benign. Review status: criteria provided, single submitter. Criteria: ACMG Guidelines, 2015. Collection method: not provided. Allele origin: germline. Inheritance: Autosomal dominant inheritance. Affected: yes.